The following is an entry in ClinVar:

NM_000400.4(ERCC2):c.2107G>T (p.Asp703Tyr)

Gene: ERCC2 (ERCC excision repair 2, TFIIH core complex helicase subunit; minus strand). Cytogenetic location: 19q13.32.
Variant type: single nucleotide variant.
Coding change: c.2107G>T on transcript NM_000400.4 (MANE Select); coding-DNA position 2107, G replaced by T.
Protein change: p.Asp703Tyr; replaces aspartic acid 703 with tyrosine.
Molecular consequence: missense variant.
Genome position (GRCh38, 1-based): chr19:45,352,292, C>A on the plus strand (G>T on the coding strand, the complement: ERCC2 is on the minus strand). VCF-style: chr19-45352292-C-A. GRCh37 (hg19) VCF-style: chr19-45855550-C-A.
Other names: short protein forms D703Y.
Identifiers: ClinVar variation 1786005 (VCV001786005.2), dbSNP rs1568531345, ClinGen allele CA406362249.

ClinVar aggregate classification (germline): Uncertain significance (1 of 4 stars; one submission).

Conditions:
Inborn genetic diseases. Identifiers: MedGen C0950123, MeSH D030342.

Submission:

Ambry Genetics
Classification: Uncertain significance for Inborn genetic diseases. Last evaluated: 2021-08-12. Review status: criteria provided, single submitter. Criteria: Ambry Variant Classification Scheme 2023. Collection method: clinical testing. Allele origin: germline.
Comment: The p.D703Y variant (also known as c.2107G>T), located in coding exon 22 of the ERCC2 gene, results from a G to T substitution at nucleotide position 2107. The aspartic acid at codon 703 is replaced by tyrosine, an amino acid with highly dissimilar properties. This amino acid position is conserved. In addition, this alteration is predicted to be deleterious by in silico analysis. Since supporting evidence is limited at this time, the clinical significance of this alteration remains unclear.